The following is an entry in ClinVar:

NM_000238.4(KCNH2):c.2964_2965+16dup

Gene: KCNH2 (potassium voltage-gated channel subfamily H member 2; minus strand). Cytogenetic location: 7q36.1.
Variant type: Duplication.
Coding change: c.2964_2965+16dup on transcript NM_000238.4 (MANE Select); coding-DNA position 2964 through 16 bases into the intron after coding-DNA position 2965, 18 bases duplicated (AGGTATCCCGGGCGACGG).
Molecular consequence: splice donor variant.
Genome position (GRCh38, 1-based): chr7:150,947,590-150,947,607, CCGTCGCCCGGGATACCT duplicated on the plus strand (AGGTATCCCGGGCGACGG on the coding strand, the reverse complement: KCNH2 is on the minus strand). VCF-style (leftmost placement, unchanged base first): chr7-150947589-C-CCCGTCGCCCGGGATACCT. GRCh37 (hg19) VCF-style: chr7-150644677-C-CCCGTCGCCCGGGATACCT.
Other names: c.2676_2677+16dup (NM_001406753.1); c.1944_1945+16dup (NM_172057.3).
Identifiers: ClinVar variation 4720541 (VCV004720541.1).

ClinVar aggregate classification (germline): Uncertain significance (1 of 4 stars; one submission).

Conditions:
Long QT syndrome (LQTS). Identifiers: MedGen C0023976, MeSH D008133, MONDO:0002442. Disease mechanism: loss of function. Inheritance: Various modes of inheritance.

Submission:

Labcorp Genetics (formerly Invitae), Labcorp
Classification: Uncertain significance for Long QT syndrome. Last evaluated: 2025-06-01. Review status: criteria provided, single submitter. Criteria: Invitae Variant Classification Sherloc (09022015). Collection method: clinical testing. Allele origin: germline.
Comment: This sequence change falls in intron 12 of the KCNH2 gene. It does not directly change the encoded amino acid sequence of the KCNH2 protein. This variant is not present in population databases (gnomAD no frequency). This variant has not been reported in the literature in individuals affected with KCNH2-related conditions. Experimental studies and prediction algorithms are not available or were not evaluated, and the functional significance of this variant is currently unknown. In summary, the available evidence is currently insufficient to determine the role of this variant in disease. Therefore, it has been classified as a Variant of Uncertain Significance.